The following is an entry in ClinVar:

NC_000012.11:g.(?_94243726)_(94244047_?)del

Gene: CRADD (CASP2 and RIPK1 domain containing adaptor with death domain; plus strand). Cytogenetic location: 12q22.
Variant type: Deletion.
Identifiers: ClinVar variation 2424767 (VCV002424767.4).

ClinVar aggregate classification (germline): Pathogenic (1 of 4 stars; one submission).

Submission:

Labcorp Genetics (formerly Invitae), Labcorp
Classification: Pathogenic. Last evaluated: 2022-04-17. Review status: criteria provided, single submitter. Criteria: Invitae Variant Classification Sherloc (09022015). Collection method: clinical testing. Allele origin: germline.
Comment: This variant is a gross deletion of the genomic region encompassing exon(s) 3 of the CRADD gene, which includes the termination codon. This deletion extends beyond the assayed region for this gene and therefore may encompass additional genes. While this deletion is not anticipated to lead to nonsense mediated decay, it is expected to alter mRNA translation or result in a truncated protein product. This variant has not been reported in the literature in individuals affected with CRADD-related conditions. This variant disrupts a region of the CRADD protein in which other variant(s) (p.Arg170His) have been determined to be pathogenic (PMID: 27773430, 30914828). This suggests that this is a clinically significant region of the protein, and that variants that disrupt it are likely to be disease-causing. For these reasons, this variant has been classified as Pathogenic.

Literature cited by the submitters: PubMed 27773430; PubMed 30914828.